The following is an entry in ClinVar:

ClinVar aggregate classification (germline): Pathogenic/Likely pathogenic. Review status: criteria provided, multiple submitters, no conflicts (2 of 4 stars). 12 submissions from 11 submitters: Pathogenic (7); Likely pathogenic (2). 3 of the submissions do not count toward it. Last evaluated 2024-12-23.

Conditions:
SLC25A42-related mitochondrial disorder.
Metabolic crises, recurrent, with variable encephalomyopathic features and neurologic regression. Identifiers: MedGen C5193083, MONDO:0032736, OMIM 618416.
Inborn mitochondrial myopathy. Also called: Mitochondrial myopathy; Mitochondrial Myopathies. Identifiers: Orphanet 206966, MedGen C0162670, MONDO:0009637, HP:0003737.

Submissions (12):

3billion
Classification: Pathogenic for Metabolic crises, recurrent, with variable encephalomyopathic features and neurologic regression. Last evaluated: 2024-12-23. Review status: criteria provided, single submitter. Criteria: ACMG Guidelines, 2015. Collection method: clinical testing. Allele origin: germline. Affected: yes.
Comment: The variant is not observed in the gnomAD v4.1.0 dataset. Predicted Consequence/Location: Missense variant Functional studies provide moderate evidence of the variant having a damaging effect on the gene or gene product (PMID: 26541337). In silico tool predictions suggest damaging effect of the variant on gene or gene product [REVEL: 0.93 (>=0.6, sensitivity 0.68 and specificity 0.92)]. The same nucleotide change resulting in the same amino acid change has been previously reported as pathogenic/likely pathogenic with strong evidence (ClinVar ID: VCV000219191 /PMID: 26541337). Therefore, this variant is classified as Pathogenic according to the recommendation of ACMG/AMP guideline.

Revvity Omics, Revvity
Classification: Pathogenic for Metabolic crises, recurrent, with variable encephalomyopathic features and neurologic regression. Last evaluated: 2024-01-24. Review status: criteria provided, single submitter. Criteria: ACMG Guidelines, 2015. Collection method: clinical testing. Allele origin: germline.

Genomic Medicine Center of Excellence, King Faisal Specialist Hospital and Research Centre
Classification: Pathogenic for Metabolic crises, recurrent, with variable encephalomyopathic features and neurologic regression. Last evaluated: 2023-05-08. Review status: criteria provided, single submitter. Criteria: ACMG Guidelines, 2015. Collection method: research. Allele origin: germline. Affected: yes.

Baylor Genetics
Classification: Pathogenic for Metabolic crises, recurrent, with variable encephalomyopathic features and neurologic regression. Last evaluated: 2020-01-17. Review status: criteria provided, single submitter. Criteria: ACMG Guidelines, 2015. Collection method: clinical testing. Allele origin: unknown. Affected: yes.
Comment: This variant was determined to be pathogenic according to ACMG Guidelines, 2015 [PMID:25741868].

SIB Swiss Institute of Bioinformatics
Classification: Pathogenic for Metabolic crises, recurrent, with variable encephalomyopathic features and neurologic regression. Last evaluated: 2019-08-30. Review status: criteria provided, single submitter. Criteria: ACMG Guidelines, 2015. Collection method: curation. Allele origin: unknown.
Comment: This variant is interpreted as a Pathogenic for Metabolic crises, recurrent, with variable encephalomyopathic features and neurologic regression, autosomal recessive. The following ACMG Tag(s) were applied: PM2, PP3, PM3, PS3, PP1-Strong.

Institute of Human Genetics Munich, TUM University Hospital
Classification: Pathogenic for Metabolic crises, recurrent, with variable encephalomyopathic features and neurologic regression. Last evaluated: 2019-06-07. Review status: criteria provided, single submitter. Criteria: Classification criteria August 2017. Collection method: clinical testing. Allele origin: inherited. Inheritance: Autosomal recessive inheritance. Affected: yes. Observed: 1 homozygote.

Genomic Medicine Center of Excellence, King Faisal Specialist Hospital and Research Centre
Classification: Likely pathogenic for Inborn mitochondrial myopathy. Last evaluated: 2014-03-31. Review status: criteria provided, single submitter. Criteria: Submitter's publication. Collection method: research. Allele origin: germline. Affected: yes. Observed: 1 homozygote.

CENTOGENE GmbH and LLC - Guiding Precision Medicine
Classification: Likely pathogenic for Metabolic crises, recurrent, with variable encephalomyopathic features and neurologic regression. Review status: criteria provided, single submitter. Criteria: ACMG Guidelines, 2015. Collection method: clinical testing. Allele origin: germline. Affected: yes.

Pathology and Clinical Laboratory Medicine, King Fahad Medical City
Classification: Pathogenic for Metabolic crises, recurrent, with variable encephalomyopathic features and neurologic regression. Review status: criteria provided, single submitter. Criteria: ACMG Guidelines, 2015. Collection method: clinical testing. Allele origin: germline. Affected: yes. Observed: 4 variant alleles.

Clinical Laboratory Sciences Program (CLSP), King Saud bin Abdulaziz University for Health Sciences (KSAU-HS)
Classification: Pathogenic for Metabolic crises, recurrent, with variable encephalomyopathic features and neurologic regression. Last evaluated: 2023-04-01. Review status: no assertion criteria provided. Collection method: clinical testing. Allele origin: germline. Affected: yes. Not counted in ClinVar's aggregate classification.

Biochemical Molecular Genetic Laboratory, King Abdulaziz Medical City
Classification: Likely pathogenic for SLC25A42-related mitochondrial disorder. Last evaluated: 2019-01-29. Review status: no assertion criteria provided. Collection method: clinical testing. Allele origin: germline. Affected: yes. Not counted in ClinVar's aggregate classification.

OMIM
Classification: Pathogenic for METABOLIC CRISES, RECURRENT, WITH VARIABLE ENCEPHALOMYOPATHIC FEATURES AND NEUROLOGIC REGRESSION. Last evaluated: 2016-01-01. Review status: no assertion criteria provided. Collection method: literature only. Allele origin: germline. Not counted in ClinVar's aggregate classification.

Literature cited by the submitters: PubMed 26541337 (cited by 3 submitters); PubMed 29327420 (cited by SIB Swiss Institute of Bioinformatics and OMIM); PubMed 30237576 (cited by SIB Swiss Institute of Bioinformatics); PubMed 29923093 (cited by SIB Swiss Institute of Bioinformatics and OMIM).

NM_178526.5(SLC25A42):c.871A>G (p.Asn291Asp)

Gene: SLC25A42 (solute carrier family 25 member 42; plus strand). Cytogenetic location: 19p13.11.
Variant type: single nucleotide variant.
Coding change: c.871A>G on transcript NM_178526.5 (MANE Select); coding-DNA position 871, A replaced by G.
Protein change: p.Asn291Asp; replaces asparagine 291 with aspartic acid.
Molecular consequence: missense variant.
Genome position (GRCh38, 1-based): chr19:19,110,790, A>G. VCF-style: chr19-19110790-A-G. GRCh37 (hg19) VCF-style: chr19-19221599-A-G.
Other names: c.871A>G, p.Asn291Asp (NM_001321544.2); short protein forms N291D.
Identifiers: ClinVar variation 219191 (VCV000219191.33), dbSNP rs864321624, ClinGen allele CA279953.